The following is an entry in ClinVar:

ClinVar aggregate classification (germline): Pathogenic (1 of 4 stars; one submission).

Conditions:
Recessive dystrophic epidermolysis bullosa (RDEB). Also called: DYSTROPHIC EPIDERMOLYSIS BULLOSA, AUTOSOMAL RECESSIVE; EPIDERMOLYSIS BULLOSA DYSTROPHICA, HALLOPEAU-SIEMENS TYPE; Hallopeau-Siemens Disease; severe generalized recessive dystrophic epidermolysis bullosa; EPIDERMOLYSIS BULLOSA DYSTROPHICA, GENERALIZED SEVERE, AUTOSOMAL RECESSIVE; Epidermolysis Bullosa Distrophica Autosomal Recessive (RDEB). Identifiers: Orphanet 79408, Orphanet 79409, MedGen C0079474, MONDO:0009179, OMIM 226600.

Submission:

Myriad Genetics, Inc.
Classification: Pathogenic for Recessive dystrophic epidermolysis bullosa. Last evaluated: 2026-05-03. Review status: criteria provided, single submitter. Criteria: Myriad Autosomal Dominant, Autosomal Recessive and X-Linked Classification Criteria (2023). Collection method: clinical testing. Allele origin: unknown.
Comment: NM_000094.3(COL7A1):c.7130delG(G2377Afs*11) is expected to be pathogenic in the context of dystrophic epidermolysis bullosa. This variant is predicted to lead to an abnormal or absent protein product due to the creation of a premature termination codon in COL7A1, a gene where loss-of-function variants are known to be pathogenic. Please note: this variant was assessed in the context of healthy population screening.

NM_000094.4(COL7A1):c.7130del (p.Gly2377fs)

Gene: COL7A1 (collagen type VII alpha 1 chain; minus strand). Cytogenetic location: 3p21.31.
Variant type: Deletion.
Coding change: c.7130del on transcript NM_000094.4 (MANE Select); coding-DNA position 7130, one base deleted (G; older notation c.7130delG).
Protein change: p.Gly2377fs; shifts the reading frame from glycine 2377.
Molecular consequence: frameshift variant.
Genome position (GRCh38, 1-based): chr3:48,571,135, C deleted on the plus strand (G on the coding strand, the reverse complement: COL7A1 is on the minus strand); the first of 3 consecutive C bases (chr3:48,571,135-48,571,137); deleting any one gives the same sequence. VCF-style (leftmost placement, unchanged base first): chr3-48571134-GC-G. GRCh37 (hg19) VCF-style: chr3-48608567-GC-G.
Other names: short protein forms G2377fs.
Identifiers: ClinVar variation 5015869 (VCV005015869.1).
Genomic context (GRCh38, chr3:48,571,134, plus strand): 5'-ACAACTGGTGATGGGGCATTGACTTACCTTCACACCTGGAGGGCCAGGAGGCCCAGGGGA[GC>G]CCGGGACCCCGACTCCTGGGTCACCCTTTGAGGAAAAGAGGCATCGGATCAAGCTCAGGG-3'